The following is an entry in ClinVar:

ClinVar aggregate classification (germline): Likely benign. Review status: criteria provided, multiple submitters, no conflicts (2 of 4 stars). 3 submissions from 3 submitters: Likely benign (3). Last evaluated 2025-08-25.

Conditions:
Hereditary cancer-predisposing syndrome. Also called: Hereditary Cancer Syndrome; Neoplastic Syndromes, Hereditary; Tumor predisposition; Hereditary neoplastic syndrome. Identifiers: Orphanet 140162, MedGen C0027672, MeSH D009386, MONDO:0015356.
BAP1-related tumor predisposition syndrome (TPDS1). Also called: Tumor susceptibility linked to germline BAP1 mutations; BAP1 tumor predisposition syndrome; COMMON Syndrome; TUMOR PREDISPOSITION SYNDROME 1. Identifiers: Orphanet 289539, MedGen C3280492, MONDO:0013692, OMIM 614327.

Allele frequency attached by ClinVar (database versions not stated): gnomAD exomes 0.00001; TOPMed 0.00002.
gnomAD v4.1: 8 of 1,613,288 alleles (0.0005%); highest among the groups gnomAD compares: Admixed American, 0.0017%; no homozygotes.

Submissions (3):

Labcorp Genetics (formerly Invitae), Labcorp
Classification: Likely benign for BAP1-related tumor predisposition syndrome. Last evaluated: 2025-08-25. Review status: criteria provided, single submitter. Criteria: Invitae Variant Classification Sherloc (09022015). Collection method: clinical testing. Allele origin: germline.

Myriad Genetics, Inc.
Classification: Likely benign for BAP1-related tumor predisposition syndrome. Last evaluated: 2024-07-15. Review status: criteria provided, single submitter. Criteria: Myriad Autosomal Dominant, Autosomal Recessive and X-Linked Classification Criteria (2023). Collection method: clinical testing. Allele origin: unknown.
Comment: This variant is considered likely benign. This variant is intronic and is not expected to impact mRNA splicing.

Color Diagnostics, LLC DBA Color Health
Classification: Likely benign for Hereditary cancer-predisposing syndrome. Last evaluated: 2017-08-03. Review status: criteria provided, single submitter. Criteria: ACMG Guidelines, 2015. Collection method: clinical testing. Allele origin: germline.

NM_004656.4(BAP1):c.932-11C>T

Gene: BAP1 (BRCA1 associated deubiquitinase 1; minus strand). Cytogenetic location: 3p21.1.
Variant type: single nucleotide variant.
Coding change: c.932-11C>T on transcript NM_004656.4 (MANE Select); 11 bases into the intron before coding-DNA position 932, C replaced by T.
Molecular consequence: intron variant.
Genome position (GRCh38, 1-based): chr3:52,405,305, G>A on the plus strand (C>T on the coding strand, the complement: BAP1 is on the minus strand). VCF-style: chr3-52405305-G-A. GRCh37 (hg19) VCF-style: chr3-52439321-G-A.
Identifiers: ClinVar variation 490906 (VCV000490906.12), dbSNP rs1223999018, ClinGen allele CA543057011.
Genomic context (GRCh38, chr3:52,405,305, plus strand): 5'-GCTGTGGGATGGGGCTTGTGCGCATGAACCAGCCGCCTCCTCTGCACCATCTGAGACAGG[G>A]CAAGAACACAGGCAGGACCTCCAGTAGGATCTCCAAGAAAAGCTCACAGTCTCCCCGGCC-3'